The following is an entry in ClinVar:

ClinVar aggregate classification (germline): Uncertain significance (1 of 4 stars; one submission).

Conditions:
Autosomal recessive limb-girdle muscular dystrophy type R18 (LGMDR18). Also called: Limb-girdle muscular dystrophy, type 2S; MUSCULAR DYSTROPHY, LIMB-GIRDLE, AUTOSOMAL RECESSIVE 18; Autosomal recessive limb-girdle muscular dystrophy type 2S. Identifiers: Orphanet 369840, MedGen C4517996, MONDO:0014144, OMIM 615356.

Allele frequency attached by ClinVar (database versions not stated): gnomAD 0.00001; TOPMed 0.00001.
gnomAD v4.1: 6 of 1,613,342 alleles (0.00037%); highest among the groups gnomAD compares: South Asian, 0.0022%; no homozygotes.

Submission:

Labcorp Genetics (formerly Invitae), Labcorp
Classification: Uncertain significance for Autosomal recessive limb-girdle muscular dystrophy type R18. Last evaluated: 2022-09-06. Review status: criteria provided, single submitter. Criteria: Invitae Variant Classification Sherloc (09022015). Collection method: clinical testing. Allele origin: germline.
Comment: In summary, the available evidence is currently insufficient to determine the role of this variant in disease. Therefore, it has been classified as a Variant of Uncertain Significance. Algorithms developed to predict the effect of missense changes on protein structure and function (SIFT, PolyPhen-2, Align-GVGD) all suggest that this variant is likely to be tolerated. This variant has not been reported in the literature in individuals affected with TRAPPC11-related conditions. This variant is not present in population databases (gnomAD no frequency). This sequence change replaces alanine, which is neutral and non-polar, with threonine, which is neutral and polar, at codon 791 of the TRAPPC11 protein (p.Ala791Thr).

NM_021942.6(TRAPPC11):c.2371G>A (p.Ala791Thr)

Genes: TRAPPC11 (trafficking protein particle complex subunit 11; plus strand), LOC126807238 (BRD4-independent group 4 enhancer GRCh37_chr4:184614366-184615565; plus strand). Cytogenetic location: 4q35.1.
Variant type: single nucleotide variant.
Coding change: c.2371G>A on transcript NM_021942.6 (MANE Select); coding-DNA position 2371, G replaced by A.
Protein change: p.Ala791Thr; replaces alanine 791 with threonine.
Molecular consequence: missense variant.
Genome position (GRCh38, 1-based): chr4:183,693,722, G>A. VCF-style: chr4-183693722-G-A. GRCh37 (hg19) VCF-style: chr4-184614875-G-A.
Other names: c.2371G>A, p.Ala791Thr (NM_199053.3); short protein forms A791T.
Identifiers: ClinVar variation 1906158 (VCV001906158.5), dbSNP rs1302946870, ClinGen allele CA358871628.
Genomic context (GRCh38, chr4:183,693,722, plus strand): 5'-TGTTTGGTTGTGACTGTTCAGTCCCATGAAAAGACCCAAATCAGAGATGTGAAGCTCACC[G>A]CTGGCTTAAAACCAGGTAAGCATTCCTTTTTGTAAGTTTGATCAGTATTAATCCAACATT-3'
Protein context (NP_068761.4, residues 781-801): KTQIRDVKLT[Ala791Thr]GLKPGQDANL